The following is an entry in ClinVar:

ClinVar aggregate classification (germline): Uncertain significance (1 of 4 stars; one submission).

Submission:

Ambry Genetics
Classification: Uncertain significance. Last evaluated: 2021-06-13. Review status: criteria provided, single submitter. Criteria: Ambry Variant Classification Scheme 2023. Collection method: clinical testing. Allele origin: germline.
Comment: The p.C167R variant (also known as c.499T>C), located in coding exon 7 of the RAD54L gene, results from a T to C substitution at nucleotide position 499. The cysteine at codon 167 is replaced by arginine, an amino acid with highly dissimilar properties. This amino acid position is conserved. In addition, this alteration is predicted to be deleterious by in silico analysis. Since supporting evidence is limited at this time, the clinical significance of this alteration remains unclear.

NM_003579.4(RAD54L):c.499T>C (p.Cys167Arg)

Gene: RAD54L (RAD54 like; plus strand). Cytogenetic location: 1p34.1.
Variant type: single nucleotide variant.
Coding change: c.499T>C on transcript NM_003579.4 (MANE Select); coding-DNA position 499, T replaced by C.
Protein change: p.Cys167Arg; replaces cysteine 167 with arginine.
Molecular consequence: missense variant. On other transcripts: 5 prime UTR variant (1).
Genome position (GRCh38, 1-based): chr1:46,260,748, T>C. VCF-style: chr1-46260748-T-C. GRCh37 (hg19) VCF-style: chr1-46726420-T-C.
Other names: c.499T>C, p.Cys167Arg (NM_001142548.2); c.-42T>C (NM_001370766.1); short protein forms C167R.
Identifiers: ClinVar variation 1744652 (VCV001744652.2), dbSNP rs2525668582, ClinGen allele CA340185532.